The following is an entry in ClinVar:

NM_206965.2(FTCD):c.896G>C (p.Arg299Pro)

Gene: FTCD (formimidoyltransferase cyclodeaminase; minus strand). Cytogenetic location: 21q22.3.
Variant type: single nucleotide variant.
Coding change: c.896G>C on transcript NM_206965.2 (MANE Select); coding-DNA position 896, G replaced by C.
Protein change: p.Arg299Pro; replaces arginine 299 with proline.
Molecular consequence: missense variant.
Genome position (GRCh38, 1-based): chr21:46,150,129, C>G on the plus strand (G>C on the coding strand, the complement: FTCD is on the minus strand). VCF-style: chr21-46150129-C-G. GRCh37 (hg19) VCF-style: chr21-47570043-C-G.
Other names: c.896G>C, p.Arg299Pro (NM_001320412.2, NM_006657.3); short protein forms R299P.
Identifiers: ClinVar variation 4018 (VCV000004018.5), dbSNP rs119469015, ClinGen allele CA116585.

ClinVar aggregate classification (germline): Uncertain significance. Review status: criteria provided, single submitter (1 of 4 stars). 2 submissions from 2 submitters: Uncertain significance (1). 1 of the submissions does not count toward it. Last evaluated 2023-04-28.

Conditions:
Glutamate formiminotransferase deficiency. Also called: Arakawa syndrome 1; Formiminoglutamic aciduria. Identifiers: Orphanet 51208, MedGen C0268609, MONDO:0009240, OMIM 229100.

Allele frequency attached by ClinVar (database versions not stated): TOPMed 0.00002.
gnomAD v4.1: 20 of 1,611,020 alleles (0.0012%); highest among the groups gnomAD compares: Non-Finnish European, 0.0015%; no homozygotes.

Submissions (2):

Labcorp Genetics (formerly Invitae), Labcorp
Classification: Uncertain significance for Glutamate formiminotransferase deficiency. Last evaluated: 2023-04-28. Review status: criteria provided, single submitter. Criteria: Invitae Variant Classification Sherloc (09022015). Collection method: clinical testing. Allele origin: germline.
Comment: This missense change has been observed in individual(s) with glutamate formiminotransferase deficiency (PMID: 12815595). This variant is present in population databases (rs119469015, gnomAD 0.0009%). This sequence change replaces arginine, which is basic and polar, with proline, which is neutral and non-polar, at codon 299 of the FTCD protein (p.Arg299Pro). ClinVar contains an entry for this variant (Variation ID: 4018). In summary, the available evidence is currently insufficient to determine the role of this variant in disease. Therefore, it has been classified as a Variant of Uncertain Significance. Experimental studies have shown that this missense change affects FTCD function (PMID: 12815595). Advanced modeling of protein sequence and biophysical properties (such as structural, functional, and spatial information, amino acid conservation, physicochemical variation, residue mobility, and thermodynamic stability) performed at Invitae indicates that this missense variant is not expected to disrupt FTCD protein function.

OMIM
Classification: Pathogenic for GLUTAMATE FORMIMINOTRANSFERASE DEFICIENCY. Last evaluated: 2003-07-01. Review status: no assertion criteria provided. Collection method: literature only. Allele origin: germline. Not counted in ClinVar's aggregate classification.

Literature cited by the submitters: PubMed 12815595 (cited by Labcorp Genetics (formerly Invitae), Labcorp and OMIM).